The following is an entry in ClinVar:

ClinVar aggregate classification (germline): Uncertain significance. Review status: criteria provided, multiple submitters, no conflicts (2 of 4 stars). 4 submissions from 4 submitters: Uncertain significance (4). Last evaluated 2025-08-13.

Conditions:
Inborn genetic diseases. Identifiers: MedGen C0950123, MeSH D030342.

Allele frequency attached by ClinVar (database versions not stated): gnomAD 0.00003; TOPMed 0.00003.
gnomAD v4.1: 92 of 1,614,058 alleles (0.0057%); highest among the groups gnomAD compares: Non-Finnish European, 0.0072%; no homozygotes.

Submissions (4):

Labcorp Genetics (formerly Invitae), Labcorp
Classification: Uncertain significance. Last evaluated: 2025-08-13. Review status: criteria provided, single submitter. Criteria: Invitae Variant Classification Sherloc (09022015). Collection method: clinical testing. Allele origin: germline.
Comment: This sequence change replaces histidine, which is basic and polar, with asparagine, which is neutral and polar, at codon 150 of the UNC80 protein (p.His150Asn). This variant is present in population databases (rs201833017, gnomAD 0.01%). This variant has not been reported in the literature in individuals affected with UNC80-related conditions. ClinVar contains an entry for this variant (Variation ID: 1419252). An algorithm developed to predict the effect of missense changes on protein structure and function (PolyPhen-2) suggests that this variant is likely to be disruptive. In summary, the available evidence is currently insufficient to determine the role of this variant in disease. Therefore, it has been classified as a Variant of Uncertain Significance.

Women's Health and Genetics/Laboratory Corporation of America, LabCorp
Classification: Uncertain significance. Last evaluated: 2024-10-17. Review status: criteria provided, single submitter. Criteria: LabCorp Variant Classification Summary - May 2015. Collection method: clinical testing. Allele origin: germline.
Comment: Variant summary: UNC80 c.448C>A (p.His150Asn) results in a conservative amino acid change in the encoded protein sequence. Three of four in-silico tools predict a benign effect of the variant on protein function. The variant allele was found at a frequency of 4.8e-05 in 251470 control chromosomes. This frequency is not significantly higher than estimated for a pathogenic variant in UNC80 causing Infantile Hypotonia With Psychomotor Retardation And Characteristic Facies 2, allowing no conclusion about variant significance. To our knowledge, no occurrence of c.448C>A in individuals affected with Infantile Hypotonia With Psychomotor Retardation And Characteristic Facies 2 and no experimental evidence demonstrating its impact on protein function have been reported. ClinVar contains an entry for this variant (Variation ID: 1419252). Based on the evidence outlined above, the variant was classified as uncertain significance.

Ambry Genetics
Classification: Uncertain significance for Inborn genetic diseases. Last evaluated: 2023-12-08. Review status: criteria provided, single submitter. Criteria: Ambry Variant Classification Scheme 2023. Collection method: clinical testing. Allele origin: germline.

GeneDx
Classification: Uncertain significance. Last evaluated: 2022-09-26. Review status: criteria provided, single submitter. Criteria: GeneDx Variant Classification Process June 2021. Collection method: clinical testing. Allele origin: germline. Affected: yes.
Comment: In silico analysis supports that this missense variant does not alter protein structure/function; Has not been previously published as pathogenic or benign to our knowledge

NM_001371986.1(UNC80):c.448C>A (p.His150Asn)

Gene: UNC80 (unc-80 subunit of NALCN channel complex; plus strand). Cytogenetic location: 2q34.
Variant type: single nucleotide variant.
Coding change: c.448C>A on transcript NM_001371986.1 (MANE Select); coding-DNA position 448, C replaced by A.
Protein change: p.His150Asn; replaces histidine 150 with asparagine.
Molecular consequence: missense variant.
Genome position (GRCh38, 1-based): chr2:209,777,407, C>A. VCF-style: chr2-209777407-C-A. GRCh37 (hg19) VCF-style: chr2-210642131-C-A.
Other names: c.448C>A (NM_032504.1); c.448C>A, p.His150Asn (NM_032504.2, NM_182587.4); short protein forms H150N.
Identifiers: ClinVar variation 1419252 (VCV001419252.8), dbSNP rs201833017, ClinGen allele CA2082743.
Genomic context (GRCh38, chr2:209,777,407, plus strand): 5'-GAGCGGTTTGGGGGTACAGACCGAGGCTCCAGCTGGGGTGGAAGCAGCAGTGCTTTCATC[C>A]ACCAGGTTGAAAACCAGGGTTCTCCAGGGCAGCCTTGCCAAAGCAGCTCTAATGACGAAG-3'
Protein context (NP_001358915.1, residues 140-160): SWGGSSSAFI[His150Asn]QVENQGSPGQ